The following is an entry in ClinVar:

ClinVar aggregate classification (germline): Likely pathogenic. Review status: criteria provided, multiple submitters, no conflicts (2 of 4 stars). 2 submissions from 2 submitters: Likely pathogenic (2). Last evaluated 2025-11-18.

Conditions:
Familial adenomatous polyposis 1 (FAP1). Also called: FAMILIAL ADENOMATOUS POLYPOSIS 1, ATTENUATED; POLYPOSIS, ADENOMATOUS INTESTINAL. Identifiers: MedGen C2713442, MONDO:0021056, OMIM 175100. Disease mechanism: loss of function.

Submissions (2):

Labcorp Genetics (formerly Invitae), Labcorp
Classification: Likely pathogenic for Familial adenomatous polyposis 1. Last evaluated: 2025-11-18. Review status: criteria provided, single submitter. Criteria: Invitae Variant Classification Sherloc (09022015). Collection method: clinical testing. Allele origin: germline.
Comment: This sequence change affects a donor splice site in intron 9 of the APC gene. It is expected to disrupt RNA splicing. Variants that disrupt the donor or acceptor splice site typically lead to a loss of protein function (PMID: 16199547), and loss-of-function variants in APC are known to be pathogenic (PMID: 17963004, 20685668). This variant is not present in population databases (gnomAD no frequency). Disruption of this splice site has been observed in individual(s) with familial adenomatous polyposis (PMID: 15459959; internal data). ClinVar contains an entry for this variant (Variation ID: 1482958). RNA analysis performed to evaluate the impact of disruption of this splice site on mRNA splicing indicates it does not significantly alter splicing (PMID: 15459959). In summary, the currently available evidence indicates that the variant is pathogenic, but additional data are needed to prove that conclusively. Therefore, this variant has been classified as Likely Pathogenic.

Myriad Genetics, Inc.
Classification: Likely pathogenic for Familial adenomatous polyposis 1. Last evaluated: 2023-04-28. Review status: criteria provided, single submitter. Criteria: Myriad Autosomal Dominant, Autosomal Recessive and X-Linked Classification Criteria (2023). Collection method: clinical testing. Allele origin: unknown.
Comment: This variant is considered likely pathogenic. This variant occurs within a consensus splice junction and is predicted to result in abnormal mRNA splicing of either an out-of-frame exon or an in-frame exon necessary for protein stability and/or normal function.

Literature cited by the submitters: PubMed 16199547 (cited by Labcorp Genetics (formerly Invitae), Labcorp); PubMed 17963004 (cited by Labcorp Genetics (formerly Invitae), Labcorp); PubMed 20685668 (cited by Labcorp Genetics (formerly Invitae), Labcorp); PubMed 15459959 (cited by Labcorp Genetics (formerly Invitae), Labcorp).

NM_000038.6(APC):c.933+2T>A

Gene: APC (APC regulator of Wnt signaling pathway; plus strand). Cytogenetic location: 5q22.2.
Variant type: single nucleotide variant.
Coding change: c.933+2T>A on transcript NM_000038.6 (MANE Select); the canonical splice donor site of the intron after coding-DNA position 933, T replaced by A.
Molecular consequence: splice donor variant.
Genome position (GRCh38, 1-based): chr5:112,815,595, T>A. VCF-style: chr5-112815595-T-A. GRCh37 (hg19) VCF-style: chr5-112151292-T-A.
Other names: c.84+2T>A (NM_001407470.1, NM_001407472.1, NM_001354906.2 and 1 more transcripts); c.933+2T>A (NM_001407447.1, NM_001354895.2, NM_001407456.1 and 12 more transcripts); c.849+2T>A (NM_001407452.1, NM_001407469.1, NM_001354899.2 and 1 more transcripts); c.963+2T>A (NM_001407446.1, NM_001354897.2, NM_001354902.2); c.879+2T>A (NM_001127511.3); c.756+2T>A (NM_001407453.1, NM_001354900.2, NM_001354901.2 and 1 more transcripts); c.858+2T>A (NM_001407451.1, NM_001354898.2, NM_001354904.2).
Identifiers: ClinVar variation 1482958 (VCV001482958.8), dbSNP rs1057517559, ClinGen allele CA360619056.